The following is an entry in ClinVar:

ClinVar aggregate classification (germline): Likely benign (1 of 4 stars; one submission).

Allele frequency attached by ClinVar (database versions not stated): gnomAD exomes below 0.00001; gnomAD 0.00001.
gnomAD v4.1: 4 of 1,608,012 alleles (0.00025%); highest among the groups gnomAD compares: Non-Finnish European, 0.00034%; no homozygotes.

Submission:

CeGaT Center for Human Genetics Tuebingen
Classification: Likely benign. Last evaluated: 2023-01-01. Review status: criteria provided, single submitter. Criteria: CeGaT Center For Human Genetics Tuebingen Variant Classification Criteria Version 2. Collection method: clinical testing. Allele origin: germline. Affected: yes. Observed: 1 variant allele.
Comment: ANO2: BP4, BP7

NM_001364791.2(ANO2):c.2898T>G (p.Gly966=)

Gene: ANO2 (anoctamin 2; minus strand). Cytogenetic location: 12p13.31.
Variant type: single nucleotide variant.
Coding change: c.2898T>G on transcript NM_001364791.2 (MANE Select); coding-DNA position 2898, T replaced by G.
Protein change: p.Gly966=; no amino-acid change (glycine 966 retained).
Molecular consequence: synonymous variant.
Genome position (GRCh38, 1-based): chr12:5,563,398, A>C on the plus strand (T>G on the coding strand, the complement: ANO2 is on the minus strand). VCF-style: chr12-5563398-A-C. GRCh37 (hg19) VCF-style: chr12-5672564-A-C.
Other names: c.2913T>G, p.Gly971= (NM_001278596.3); c.2901T>G, p.Gly967= (NM_001278597.3).
Identifiers: ClinVar variation 2642597 (VCV002642597.24), dbSNP rs1198388333, ClinGen allele CA478154463.